The following is an entry in ClinVar:

ClinVar aggregate classification (germline): Benign/Likely benign. Review status: criteria provided, multiple submitters, no conflicts (2 of 4 stars). 4 submissions from 4 submitters: Benign (3); Likely benign (1). Last evaluated 2026-01-27.

Allele frequency attached by ClinVar (database versions not stated): gnomAD exomes 0.00019 and 0.00047; ExAC 0.00062; gnomAD 0.00196 and 0.00206; TOPMed 0.00218; 1000 Genomes Project 0.00280; ESP Exome Variant Server 0.00284; 1000 Genomes Project 30x 0.00328.
gnomAD v4.1: 583 of 1,589,738 alleles (0.037%); highest among the groups gnomAD compares: African/African-American, 0.69%; 1 homozygote.

Submissions (4):

Labcorp Genetics (formerly Invitae), Labcorp
Classification: Benign. Last evaluated: 2026-01-27. Review status: criteria provided, single submitter. Criteria: Invitae Variant Classification Sherloc (09022015). Collection method: clinical testing. Allele origin: germline.

Blueprint Genetics
Classification: Likely benign. Last evaluated: 2024-11-13. Review status: criteria provided, single submitter. Criteria: ACMG Guidelines, 2015. Collection method: clinical testing. Allele origin: germline.

Women's Health and Genetics/Laboratory Corporation of America, LabCorp
Classification: Benign. Last evaluated: 2022-12-12. Review status: criteria provided, single submitter. Criteria: LabCorp Variant Classification Summary - May 2015. Collection method: clinical testing. Allele origin: germline.
Comment: Variant summary: NDUFA9 c.655+17A>G alters a non-conserved nucleotide located close to a canonical splice site and therefore could affect mRNA splicing, leading to a significantly altered protein sequence. 4/4 computational tools predict no significant impact on normal splicing. However, these predictions have yet to be confirmed by functional studies. The variant allele was found at a frequency of 0.00047 in 250948 control chromosomes, predominantly at a frequency of 0.0067 within the African or African-American subpopulation in the gnomAD database. The observed variant frequency within African or African-American control individuals in the gnomAD database is approximately 6-fold of the estimated maximal expected allele frequency for a pathogenic variant in NDUFA9 causing Mitochondrial Complex 1 Deficiency, Nuclear Type 26 phenotype (0.0011), strongly suggesting that the variant is a benign polymorphism found primarily in populations of African or African-American origin. To our knowledge, no occurrence of c.655+17A>G in individuals affected with Mitochondrial Complex 1 Deficiency, Nuclear Type 26 and no experimental evidence demonstrating its impact on protein function have been reported. One clinical diagnostic laboratory has submitted clinical-significance assessments for this variant to ClinVar after 2014 and classified the variant as benign. Based on the evidence outlined above, the variant was classified as benign.

GeneDx
Classification: Benign. Last evaluated: 2015-04-09. Review status: criteria provided, single submitter. Criteria: GeneDx Variant Classification (06012015). Collection method: clinical testing. Allele origin: germline. Affected: yes.
Comment: This variant is considered likely benign or benign based on one or more of the following criteria: it is a conservative change, it occurs at a poorly conserved position in the protein, it is predicted to be benign by multiple in silico algorithms, and/or has population frequency not consistent with disease.

NM_005002.5(NDUFA9):c.655+17A>G

Gene: NDUFA9 (NADH:ubiquinone oxidoreductase subunit A9; plus strand). Cytogenetic location: 12p13.32.
Variant type: single nucleotide variant.
Coding change: c.655+17A>G on transcript NM_005002.5 (MANE Select); 17 bases into the intron after coding-DNA position 655, A replaced by G.
Molecular consequence: intron variant.
Genome position (GRCh38, 1-based): chr12:4,662,652, A>G. VCF-style: chr12-4662652-A-G. GRCh37 (hg19) VCF-style: chr12-4771818-A-G.
Identifiers: ClinVar variation 378242 (VCV000378242.8), dbSNP rs149534005, ClinGen allele CA6398169.
Genomic context (GRCh38, chr12:4,662,652, plus strand): 5'-GGACATCTTTGGAAGAGAGGATAGATTCCTTAATTCTTTTGCAAGTACGTATTCTTTCTT[A>G]ATGGTAGAAGAGAGGGATACTGATTAACCAAGTTGAAGCTGCTCAAGCTAACAGTTTTCT-3'